The following is an entry in ClinVar:

ClinVar aggregate classification (germline): Uncertain significance. Review status: criteria provided, multiple submitters, no conflicts (2 of 4 stars). 2 submissions from 2 submitters: Uncertain significance (2). Last evaluated 2025-07-30.

Conditions:
Costello syndrome (CSTLO). Also called: FCS SYNDROME; HRAS-Related Costello Syndrome; FACIOCUTANEOSKELETAL SYNDROME. Identifiers: Orphanet 3071, MedGen C0587248, MONDO:0009026, OMIM 218040.

Submissions (2):

Labcorp Genetics (formerly Invitae), Labcorp
Classification: Uncertain significance for Costello syndrome. Last evaluated: 2025-07-30. Review status: criteria provided, single submitter. Criteria: Invitae Variant Classification Sherloc (09022015). Collection method: clinical testing. Allele origin: germline.
Comment: This sequence change creates a premature translational stop signal (p.Glu37Argfs*11) in the HRAS gene. It is expected to result in an absent or disrupted protein product. However, the current clinical and genetic evidence is not sufficient to establish whether loss-of-function variants in HRAS cause disease. This variant is not present in population databases (gnomAD no frequency). This variant has not been reported in the literature in individuals affected with HRAS-related conditions. ClinVar contains an entry for this variant (Variation ID: 1062119). In summary, the available evidence is currently insufficient to determine the role of this variant in disease. Therefore, it has been classified as a Variant of Uncertain Significance.

CeGaT Center for Human Genetics Tuebingen
Classification: Uncertain significance. Last evaluated: 2025-02-01. Review status: criteria provided, single submitter. Criteria: CeGaT Center For Human Genetics Tuebingen Variant Classification Criteria Version 2. Collection method: clinical testing. Allele origin: germline. Affected: yes. Observed: 1 variant allele.
Comment: HRAS: PM2

NM_005343.4(HRAS):c.108dup (p.Glu37fs)

Genes: LRRC56 (leucine rich repeat containing 56; plus strand), HRAS (HRas proto-oncogene, GTPase; minus strand). Cytogenetic location: 11p15.5.
Variant type: Duplication.
Coding change: c.108dup on transcript NM_005343.4 (MANE Select); coding-DNA position 108, one base duplicated (A; older notation c.108dupA).
Protein change: p.Glu37fs; shifts the reading frame from glutamic acid 37.
Molecular consequence: frameshift variant. On other transcripts: 5 prime UTR variant (1).
Genome position (GRCh38, 1-based): chr11:534,215, T duplicated on the plus strand (A on the coding strand, the reverse complement: HRAS is on the minus strand). VCF-style (leftmost placement, unchanged base first): chr11-534214-C-CT. GRCh37 (hg19) VCF-style: chr11-534214-C-CT.
Other names: c.108dup, p.Glu37fs (NM_001130442.3, NM_176795.5); c.-212dup (NM_001318054.2); short protein forms E37fs.
Identifiers: ClinVar variation 1062119 (VCV001062119.14), dbSNP rs2133994149, ClinGen allele CA2499221089.
Genomic context (GRCh38, chr11:534,214, plus strand): 5'-TGTGTCCTGGGCTCGCCCGCAGCAGCTGCTGGCACCTGGACGGCGGCGCCAGGCTCACCT[C>CT]TATAGTGGGGTCGTATTCGTCCACAAAATGGTTCTGGATCAGCTGGATGGTCAGCGCACT-3'